The following is an entry in ClinVar:

NM_015915.5(ATL1):c.1665G>T (p.Lys555Asn)

Gene: ATL1 (atlastin GTPase 1; plus strand). Cytogenetic location: 14q22.1.
Variant type: single nucleotide variant.
Coding change: c.1665G>T on transcript NM_015915.5 (MANE Select); coding-DNA position 1665, G replaced by T.
Protein change: p.Lys555Asn; replaces lysine 555 with asparagine.
Molecular consequence: missense variant.
Genome position (GRCh38, 1-based): chr14:50,632,327, G>T. VCF-style: chr14-50632327-G-T. GRCh37 (hg19) VCF-style: chr14-51099045-G-T.
Other names: c.1650G>T, p.Lys550Asn (NM_001127713.1, NM_181598.4); short protein forms K555N, K550N.
Identifiers: ClinVar variation 2096230 (VCV002096230.4), dbSNP rs2039590887, ClinGen allele CA389679060.

ClinVar aggregate classification (germline): Uncertain significance (1 of 4 stars; one submission).

Conditions:
Hereditary spastic paraplegia 3A (SPG3A). Also called: SPASTIC PARAPLEGIA 3, AUTOSOMAL DOMINANT; FAMILIAL SPASTIC PARAPLEGIA, AUTOSOMAL DOMINANT, 1; SPG3; STRUMPELL DISEASE; Spastic Paraplegia 3A; Spastic paraplegia 3A, autosomal dominant. Identifiers: Orphanet 100984, MedGen C2931355, MONDO:0008437, OMIM 182600.

Submission:

Labcorp Genetics (formerly Invitae), Labcorp
Classification: Uncertain significance for Hereditary spastic paraplegia 3A. Last evaluated: 2022-07-26. Review status: criteria provided, single submitter. Criteria: Invitae Variant Classification Sherloc (09022015). Collection method: clinical testing. Allele origin: germline.
Comment: This sequence change replaces lysine, which is basic and polar, with asparagine, which is neutral and polar, at codon 555 of the ATL1 protein (p.Lys555Asn). This variant is not present in population databases (gnomAD no frequency). This variant has not been reported in the literature in individuals affected with ATL1-related conditions. Advanced modeling of protein sequence and biophysical properties (such as structural, functional, and spatial information, amino acid conservation, physicochemical variation, residue mobility, and thermodynamic stability) performed at Invitae indicates that this missense variant is not expected to disrupt ATL1 protein function. In summary, the available evidence is currently insufficient to determine the role of this variant in disease. Therefore, it has been classified as a Variant of Uncertain Significance.